The following is an entry in ClinVar:

ClinVar aggregate classification (germline): Uncertain significance. Review status: criteria provided, multiple submitters, no conflicts (2 of 4 stars). 4 submissions from 4 submitters: Uncertain significance (4). Last evaluated 2025-01-06.

Conditions:
Type I complement component 8 deficiency. Also called: COMPLEMENT C8 DEFICIENCY, TYPE I; C8AG DEFICIENCY; C8 ALPHA-GAMMA DEFICIENCY. Identifiers: MedGen C3151081, MONDO:0013422, OMIM 613790.

Allele frequency attached by ClinVar (database versions not stated): gnomAD exomes 0.00001; 1000 Genomes Project 30x 0.00016.
gnomAD v4.1: 18 of 1,613,656 alleles (0.0011%); highest among the groups gnomAD compares: East Asian, 0.0067%; no homozygotes.

Submissions (4):

Labcorp Genetics (formerly Invitae), Labcorp
Classification: Uncertain significance. Last evaluated: 2025-01-06. Review status: criteria provided, single submitter. Criteria: Invitae Variant Classification Sherloc (09022015). Collection method: clinical testing. Allele origin: germline.
Comment: This sequence change replaces proline, which is neutral and non-polar, with leucine, which is neutral and non-polar, at codon 52 of the C8A protein (p.Pro52Leu). This variant is present in population databases (rs200247116, gnomAD 0.01%). This variant has not been reported in the literature in individuals affected with C8A-related conditions. ClinVar contains an entry for this variant (Variation ID: 1982176). An algorithm developed to predict the effect of missense changes on protein structure and function (PolyPhen-2) suggests that this variant is likely to be disruptive. In summary, the available evidence is currently insufficient to determine the role of this variant in disease. Therefore, it has been classified as a Variant of Uncertain Significance.

Fulgent Genetics
Classification: Uncertain significance for Type I complement component 8 deficiency. Last evaluated: 2024-03-12. Review status: criteria provided, single submitter. Criteria: ACMG Guidelines, 2015. Collection method: clinical testing. Allele origin: germline.

Ambry Genetics
Classification: Uncertain significance. Last evaluated: 2023-02-15. Review status: criteria provided, single submitter. Criteria: Ambry Variant Classification Scheme 2023. Collection method: clinical testing. Allele origin: germline.

Blueprint Genetics
Classification: Uncertain significance. Last evaluated: 2022-07-17. Review status: criteria provided, single submitter. Criteria: ACMG Guidelines, 2015. Collection method: clinical testing. Allele origin: germline.

NM_000562.3(C8A):c.155C>T (p.Pro52Leu)

Gene: C8A (complement C8 alpha chain; plus strand). Cytogenetic location: 1p32.2.
Variant type: single nucleotide variant.
Coding change: c.155C>T on transcript NM_000562.3 (MANE Select); coding-DNA position 155, C replaced by T.
Protein change: p.Pro52Leu; replaces proline 52 with leucine.
Molecular consequence: missense variant.
Genome position (GRCh38, 1-based): chr1:56,867,686, C>T. VCF-style: chr1-56867686-C-T. GRCh37 (hg19) VCF-style: chr1-57333359-C-T.
Other names: short protein forms P52L.
Identifiers: ClinVar variation 1982176 (VCV001982176.6), dbSNP rs200247116, ClinGen allele CA874929.
Genomic context (GRCh38, chr1:56,867,686, plus strand): 5'-CTACACCCGCAGCAGTTACCTGCCAGCTGAGCAACTGGTCAGAGTGGACAGATTGCTTTC[C>T]GTGCCAGGACAAAAAGGTGAGACACTTACAACCGGTTTGGGGGCATTTCATATTTGATAT-3'
Protein context (NP_000553.1, residues 42-62): SNWSEWTDCF[Pro52Leu]CQDKKYRHRS